The following is an entry in ClinVar:

ClinVar aggregate classification (germline): Benign/Likely benign. Review status: criteria provided, multiple submitters, no conflicts (2 of 4 stars). 7 submissions from 7 submitters: Benign (3); Likely benign (4). Last evaluated 2026-01-28.

Conditions:
Glycogen storage disease IXa1. Also called: GLYCOGEN STORAGE DISEASE VIII; GSD VIII; Glycogen storage disease 8; LIVER GLYCOGENOSIS, X-LINKED, TYPE I. Identifiers: Orphanet 264580, MedGen C3694531, MONDO:0010598, OMIM 306000.

Allele frequency attached by ClinVar (database versions not stated): ExAC 0.00111; gnomAD exomes 0.00119 and 0.00185; gnomAD 0.00130 and 0.00135; TOPMed 0.00137; ESP Exome Variant Server 0.00151.
gnomAD v4.1: 2,096 of 1,172,943 alleles (0.18%); highest among the groups gnomAD compares: Non-Finnish European, 0.23%; 3 homozygotes.

Submissions (7):

Labcorp Genetics (formerly Invitae), Labcorp
Classification: Benign for Glycogen storage disease IXa1. Last evaluated: 2026-01-28. Review status: criteria provided, single submitter. Criteria: Invitae Variant Classification Sherloc (09022015). Collection method: clinical testing. Allele origin: germline.

Mayo Clinic Laboratories, Mayo Clinic
Classification: Likely benign. Last evaluated: 2025-05-22. Review status: criteria provided, single submitter. Criteria: ACMG Guidelines, 2015. Collection method: clinical testing. Allele origin: germline. Observed: 1 variant allele.
Comment: BS1, BP4, BP7

Blueprint Genetics
Classification: Likely benign. Last evaluated: 2024-11-18. Review status: criteria provided, single submitter. Criteria: ACMG Guidelines, 2015. Collection method: clinical testing. Allele origin: germline.

ARUP Laboratories, Molecular Genetics and Genomics, ARUP Laboratories
Classification: Benign. Last evaluated: 2024-06-21. Review status: criteria provided, single submitter. Criteria: ARUP Molecular Germline Variant Investigation Process 2024. Collection method: clinical testing. Allele origin: germline.

GeneDx
Classification: Likely benign. Last evaluated: 2018-02-08. Review status: criteria provided, single submitter. Criteria: GeneDx Variant Classification (06012015). Collection method: clinical testing. Allele origin: germline. Affected: yes.
Comment: This variant is considered likely benign or benign based on one or more of the following criteria: it is a conservative change, it occurs at a poorly conserved position in the protein, it is predicted to be benign by multiple in silico algorithms, and/or has population frequency not consistent with disease.

Eurofins Ntd Llc (ga)
Classification: Benign. Last evaluated: 2015-02-23. Review status: criteria provided, single submitter. Criteria: EGL Classification Definitions 2015. Collection method: clinical testing. Allele origin: germline. Observed: 1 variant allele, 1 heterozygote.

PreventionGenetics, part of Exact Sciences
Classification: Likely benign. Review status: criteria provided, single submitter. Criteria: ACMG Guidelines, 2015. Collection method: clinical testing. Allele origin: germline.

NM_000292.3(PHKA2):c.742A>C (p.Arg248=)

Gene: PHKA2 (phosphorylase kinase regulatory subunit alpha 2; minus strand). Cytogenetic location: Xp22.13.
Variant type: single nucleotide variant.
Coding change: c.742A>C on transcript NM_000292.3 (MANE Select); coding-DNA position 742, A replaced by C.
Protein change: p.Arg248=; no amino-acid change (arginine 248 retained).
Molecular consequence: synonymous variant.
Genome position (GRCh38, 1-based): chrX:18,941,651, T>G on the plus strand (A>C on the coding strand, the complement: PHKA2 is on the minus strand). VCF-style: chrX-18941651-T-G. GRCh37 (hg19) VCF-style: chrX-18959769-T-G.
Other names: p.Arg248=.
Identifiers: ClinVar variation 198712 (VCV000198712.19), dbSNP rs149219369, ClinGen allele CA203570.
Genomic context (GRCh38, chrX:18,941,651, plus strand): 5'-AGGCCGGGAAGGAAATAATGGAAAGAAGTCCAGCATCAATTTCTTTAGATGTCGACGCTC[T>G]TGGCAGCATGGAGAACAGAATAGACTGAATGAAAAACAAAGAGGTGGTTTAACCTGGAGA-3'
Protein context (NP_000283.1, residues 238-258): CQSILFSMLP[Arg248=]ASTSKEIDAG